The following is an entry in ClinVar:

ClinVar aggregate classification (germline): Uncertain significance (1 of 4 stars; one submission).

Submission:

GeneDx
Classification: Uncertain significance. Last evaluated: 2023-11-29. Review status: criteria provided, single submitter. Criteria: GeneDx Variant Classification Process June 2021. Collection method: clinical testing. Allele origin: germline. Affected: yes.
Comment: Not observed at significant frequency in large population cohorts (gnomAD); In silico analysis supports that this missense variant does not alter protein structure/function; Has not been previously published as pathogenic or benign to our knowledge

NM_020987.5(ANK3):c.1650C>A (p.Phe550Leu)

Gene: ANK3 (ankyrin 3; minus strand). Cytogenetic location: 10q21.2.
Variant type: single nucleotide variant.
Coding change: c.1650C>A on transcript NM_020987.5 (MANE Select); coding-DNA position 1650, C replaced by A.
Protein change: p.Phe550Leu; replaces phenylalanine 550 with leucine.
Molecular consequence: missense variant.
Genome position (GRCh38, 1-based): chr10:60,198,379, G>T on the plus strand (C>A on the coding strand, the complement: ANK3 is on the minus strand). VCF-style: chr10-60198379-G-T. GRCh37 (hg19) VCF-style: chr10-61958137-G-T.
Other names: c.1632C>A, p.Phe544Leu (NM_001204403.2); c.1599C>A, p.Phe533Leu (NM_001204404.2); c.1650C>A, p.Phe550Leu (NM_001320874.2); short protein forms F533L, F544L, F550L.
Identifiers: ClinVar variation 3364695 (VCV003364695.1).